The following is an entry in ClinVar:

ClinVar aggregate classification (germline): Pathogenic. Review status: criteria provided, single submitter (1 of 4 stars). 2 submissions from 2 submitters: Pathogenic (1). 1 of the submissions does not count toward it. Last evaluated 2020-07-01.

Conditions:
MED13L-related disorder. Also called: MED13L-related condition.
Cardiac anomalies - developmental delay - facial dysmorphism syndrome (MRFACD). Also called: MED13L Syndrome; Impaired intellectual development and distinctive facial features with or without cardiac defects. Identifiers: Orphanet 369891, MedGen C5192431, MONDO:0014773, OMIM 616789.

Submissions (2):

GeneDx
Classification: Pathogenic. Last evaluated: 2020-07-01. Review status: criteria provided, single submitter. Criteria: GeneDx Variant Classification Process June 2021. Collection method: clinical testing. Allele origin: germline. Affected: yes.
Comment: Frameshift variant predicted to result in protein truncation or nonsense mediated decay in a gene for which loss-of-function is a known mechanism of disease; Not observed in large population cohorts (Lek et al., 2016); This variant is associated with the following publications: (PMID: 25712080, 28645799)

OMIM
Classification: Pathogenic for IMPAIRED INTELLECTUAL DEVELOPMENT AND DISTINCTIVE FACIAL FEATURES WITHOUT CARDIAC DEFECTS. Last evaluated: 2021-07-21. Review status: no assertion criteria provided. Collection method: literature only. Allele origin: germline. Not counted in ClinVar's aggregate classification.

Literature cited by the submitters: PubMed 25712080 (cited by OMIM).

NM_015335.5(MED13L):c.3765del (p.Cys1256fs)

Gene: MED13L (mediator complex subunit 13L; minus strand). Cytogenetic location: 12q24.21.
Variant type: Deletion.
Coding change: c.3765del on transcript NM_015335.5 (MANE Select); coding-DNA position 3765, one base deleted (C; older notation c.3765delC).
Protein change: p.Cys1256fs; shifts the reading frame from cysteine 1256.
Molecular consequence: frameshift variant.
Genome position (GRCh38, 1-based): chr12:115,991,189, G deleted on the plus strand (C on the coding strand, the reverse complement: MED13L is on the minus strand); the first of 3 consecutive G bases (chr12:115,991,189-115,991,191); deleting any one gives the same sequence. VCF-style (leftmost placement, unchanged base first): chr12-115991188-AG-A. GRCh37 (hg19) VCF-style: chr12-116428993-AG-A.
Other names: c.3765delC (NM_015335.4); short protein forms C1256fs.
Identifiers: ClinVar variation 221561 (VCV000221561.7), dbSNP rs147976828, ClinGen allele CA351563.